The following is an entry in ClinVar:

NM_001267550.2(TTN):c.106127G>T (p.Gly35376Val)

Genes: TTN-AS1 (TTN antisense RNA 1; plus strand), TTN (titin; minus strand), LOC129935182 (ATAC-STARR-seq lymphoblastoid active region 16807; plus strand). Cytogenetic location: 2q31.2.
Variant type: single nucleotide variant.
Coding change: c.106127G>T on transcript NM_001267550.2 (MANE Select); coding-DNA position 106127, G replaced by T.
Protein change: p.Gly35376Val; replaces glycine 35376 with valine.
Molecular consequence: missense variant.
Genome position (GRCh38, 1-based): chr2:178,530,488, C>A on the plus strand (G>T on the coding strand, the complement: TTN is on the minus strand). VCF-style: chr2-178530488-C-A. GRCh37 (hg19) VCF-style: chr2-179395215-C-A.
Other names: c.101204G>T, p.Gly33735Val (NM_001256850.1); c.78932G>T, p.Gly26311Val (NM_003319.4); c.98423G>T, p.Gly32808Val (NM_133378.4); c.79307G>T, p.Gly26436Val (NM_133432.3); c.79508G>T, p.Gly26503Val (NM_133437.4); short protein forms G26436V, G33735V, G26503V, G35376V, G26311V, G32808V.
Identifiers: ClinVar variation 2950530 (VCV002950530.3), dbSNP rs752758517, ClinGen allele CA349406973.

ClinVar aggregate classification (germline): Uncertain significance (1 of 4 stars; one submission).

Conditions:
Dilated cardiomyopathy 1G (CMD1G). Identifiers: Orphanet 154, MedGen C1858763, MONDO:0011400, OMIM 604145.
Autosomal recessive limb-girdle muscular dystrophy type 2J (LGMDR10). Also called: Limb-girdle muscular dystrophy, type 2J; MUSCULAR DYSTROPHY, LIMB-GIRDLE, AUTOSOMAL RECESSIVE 10. Identifiers: Orphanet 140922, MedGen C1837342, MONDO:0012127, OMIM 608807.

Submission:

Labcorp Genetics (formerly Invitae), Labcorp
Classification: Uncertain significance for Dilated cardiomyopathy 1G; Autosomal recessive limb-girdle muscular dystrophy type 2J. Last evaluated: 2023-07-31. Review status: criteria provided, single submitter. Criteria: Invitae Variant Classification Sherloc (09022015). Collection method: clinical testing. Allele origin: germline.
Comment: Experimental studies and prediction algorithms are not available or were not evaluated, and the functional significance of this variant is currently unknown. This sequence change replaces glycine, which is neutral and non-polar, with valine, which is neutral and non-polar, at codon 35376 of the TTN protein (p.Gly35376Val). This variant is not present in population databases (gnomAD no frequency). This variant has not been reported in the literature in individuals affected with TTN-related conditions. In summary, the available evidence is currently insufficient to determine the role of this variant in disease. Therefore, it has been classified as a Variant of Uncertain Significance.